The following is an entry in ClinVar:

ClinVar aggregate classification (germline): Benign. Review status: criteria provided, multiple submitters, no conflicts (2 of 4 stars). 2 submissions from 2 submitters: Benign (2). Last evaluated 2018-06-15.

Allele frequency attached by ClinVar (database versions not stated): gnomAD exomes 0.02651; gnomAD 0.07990 and 0.08443; 1000 Genomes Project 0.08926; TOPMed 0.08979; 1000 Genomes Project 30x 0.09400.
gnomAD v4.1: 28,606 of 758,944 alleles (3.8%); highest among the groups gnomAD compares: African/African-American, 23%; 1,865 homozygotes.

Submissions (2):

GeneDx
Classification: Benign. Last evaluated: 2018-06-15. Review status: criteria provided, single submitter. Criteria: GeneDx Variant Classification (06012015). Collection method: clinical testing. Allele origin: germline. Affected: yes.
Comment: This variant is considered likely benign or benign based on one or more of the following criteria: it is a conservative change, it occurs at a poorly conserved position in the protein, it is predicted to be benign by multiple in silico algorithms, and/or has population frequency not consistent with disease.

Breakthrough Genomics
Classification: Benign. Review status: criteria provided, single submitter. Criteria: ACMG Guidelines, 2015. Collection method: not provided. Allele origin: germline. Inheritance: Autosomal dominant inheritance. Affected: yes.

NM_004360.5(CDH1):c.1320+178A>G

Gene: CDH1 (cadherin 1; plus strand). Cytogenetic location: 16q22.1.
Variant type: single nucleotide variant.
Coding change: c.1320+178A>G on transcript NM_004360.5 (MANE Select); 178 bases into the intron after coding-DNA position 1320, A replaced by G.
Molecular consequence: intron variant.
Genome position (GRCh38, 1-based): chr16:68,813,673, A>G. VCF-style: chr16-68813673-A-G. GRCh37 (hg19) VCF-style: chr16-68847576-A-G.
Other names: c.-229+111A>G (NM_001317185.2); c.-500+178A>G (NM_001317186.2); c.1137+1410A>G (NM_001317184.2).
Identifiers: ClinVar variation 676887 (VCV000676887.2), dbSNP rs9935130, ClinGen allele CA283307434.